The following is an entry in ClinVar:

ClinVar aggregate classification (germline): Conflicting classifications of pathogenicity. Review status: criteria provided, conflicting classifications (1 of 4 stars). 2 submissions from 2 submitters: Uncertain significance (1); Likely benign (1). Last evaluated 2025-10-15.

Conditions:
Inborn genetic diseases. Identifiers: MedGen C0950123, MeSH D030342.
3-methylcrotonyl-CoA carboxylase 2 deficiency. Also called: METHYLCROTONYLGLYCINURIA, TYPE II; 3 alpha methylcrotonyl-CoA carboxylase 2 deficiency; 3 alpha methylcrotonylglycinuria 2; MCC 2 deficiency; Methylcrotonylglycinuria type 2. Identifiers: Orphanet 6, MedGen C1859499, MONDO:0008862, OMIM 210210.

Allele frequency attached by ClinVar (database versions not stated): gnomAD 0.00001; gnomAD exomes 0.00001; TOPMed 0.00001; ExAC 0.00003.

Submissions (2):

Ambry Genetics
Classification: Likely benign for Inborn genetic diseases. Last evaluated: 2025-10-15. Review status: criteria provided, single submitter. Criteria: Ambry Variant Classification Scheme 2023. Collection method: clinical testing. Allele origin: germline.

Labcorp Genetics (formerly Invitae), Labcorp
Classification: Uncertain significance for 3-methylcrotonyl-CoA carboxylase 2 deficiency. Last evaluated: 2022-11-28. Review status: criteria provided, single submitter. Criteria: Invitae Variant Classification Sherloc (09022015). Collection method: clinical testing. Allele origin: germline.
Comment: This variant has not been reported in the literature in individuals affected with MCCC2-related conditions. This variant is present in population databases (rs751133336, gnomAD 0.01%). This sequence change replaces threonine, which is neutral and polar, with alanine, which is neutral and non-polar, at codon 385 of the MCCC2 protein (p.Thr385Ala). Advanced modeling of protein sequence and biophysical properties (such as structural, functional, and spatial information, amino acid conservation, physicochemical variation, residue mobility, and thermodynamic stability) performed at Invitae indicates that this missense variant is not expected to disrupt MCCC2 protein function. In summary, the available evidence is currently insufficient to determine the role of this variant in disease. Therefore, it has been classified as a Variant of Uncertain Significance.

NM_022132.5(MCCC2):c.1153A>G (p.Thr385Ala)

Gene: MCCC2 (methylcrotonyl-CoA carboxylase subunit 2; plus strand). Cytogenetic location: 5q13.2.
Variant type: single nucleotide variant.
Coding change: c.1153A>G on transcript NM_022132.5 (MANE Select); coding-DNA position 1153, A replaced by G.
Protein change: p.Thr385Ala; replaces threonine 385 with alanine.
Molecular consequence: missense variant.
Genome position (GRCh38, 1-based): chr5:71,646,214, A>G. VCF-style: chr5-71646214-A-G. GRCh37 (hg19) VCF-style: chr5-70942041-A-G.
Other names: c.1039A>G, p.Thr347Ala (NM_001363147.1); c.1153A>G (NM_022132.4); short protein forms T347A, T385A.
Identifiers: ClinVar variation 2186430 (VCV002186430.3), dbSNP rs751133336, ClinGen allele CA3298056.